The following is an entry in ClinVar:

ClinVar aggregate classification (germline): Uncertain significance (1 of 4 stars; one submission).

gnomAD v4.1: 1 of 1,584,532 alleles (0.000063%); highest among the groups gnomAD compares: Non-Finnish European, 0.000086%; no homozygotes.

Submission:

Labcorp Genetics (formerly Invitae), Labcorp
Classification: Uncertain significance. Last evaluated: 2024-09-29. Review status: criteria provided, single submitter. Criteria: Invitae Variant Classification Sherloc (09022015). Collection method: clinical testing. Allele origin: germline.
Comment: This sequence change replaces arginine, which is basic and polar, with glycine, which is neutral and non-polar, at codon 842 of the RAI1 protein (p.Arg842Gly). This variant is present in population databases (no rsID available, gnomAD 0.001%). This variant has not been reported in the literature in individuals affected with RAI1-related conditions. Invitae Evidence Modeling of protein sequence and biophysical properties (such as structural, functional, and spatial information, amino acid conservation, physicochemical variation, residue mobility, and thermodynamic stability) indicates that this missense variant is not expected to disrupt RAI1 protein function with a negative predictive value of 80%. In summary, the available evidence is currently insufficient to determine the role of this variant in disease. Therefore, it has been classified as a Variant of Uncertain Significance.

NM_030665.4(RAI1):c.2524C>G (p.Arg842Gly)

Gene: RAI1 (retinoic acid induced 1; plus strand). Cytogenetic location: 17p11.2.
Variant type: single nucleotide variant.
Coding change: c.2524C>G on transcript NM_030665.4 (MANE Select); coding-DNA position 2524, C replaced by G.
Protein change: p.Arg842Gly; replaces arginine 842 with glycine.
Molecular consequence: missense variant.
Genome position (GRCh38, 1-based): chr17:17,795,472, C>G. VCF-style: chr17-17795472-C-G. GRCh37 (hg19) VCF-style: chr17-17698786-C-G.
Other names: short protein forms R842G.
Identifiers: ClinVar variation 3666432 (VCV003666432.2).
Genomic context (GRCh38, chr17:17,795,472, plus strand): 5'-GCAGGTGGGCTGCTGCAGTGCCCCGAGGTGGCCAAGGCTGACCGGTGGCTGGAGGACAGC[C>G]GGCACTGCTGTTCCACCGCCGACTTCGGGGACCTCCCACTGCTGCCACCCACCAGCAGGA-3'
Protein context (NP_109590.3, residues 832-852): AKADRWLEDS[Arg842Gly]HCCSTADFGD